The following is an entry in ClinVar:

ClinVar aggregate classification (germline): Uncertain significance. Review status: criteria provided, multiple submitters, no conflicts (2 of 4 stars). 2 submissions from 2 submitters: Uncertain significance (2). Last evaluated 2025-07-02.

Conditions:
Cardiovascular phenotype. Identifiers: MedGen CN230736.

Allele frequency attached by ClinVar (database versions not stated): TOPMed 0.00001.
gnomAD v4.1: 1 of 1,614,202 alleles (0.000062%); highest among the groups gnomAD compares: Non-Finnish European, 0.000085%; no homozygotes.

Submissions (2):

Ambry Genetics
Classification: Uncertain significance for Cardiovascular phenotype. Last evaluated: 2025-07-02. Review status: criteria provided, single submitter. Criteria: Ambry Variant Classification Scheme 2023. Collection method: clinical testing. Allele origin: germline.

Labcorp Genetics (formerly Invitae), Labcorp
Classification: Uncertain significance. Last evaluated: 2024-12-16. Review status: criteria provided, single submitter. Criteria: Invitae Variant Classification Sherloc (09022015). Collection method: clinical testing. Allele origin: germline.
Comment: This sequence change replaces threonine, which is neutral and polar, with asparagine, which is neutral and polar, at codon 277 of the ALPK3 protein (p.Thr277Asn). This variant is not present in population databases (gnomAD no frequency). This missense change has been observed in individual(s) with left ventricular noncompaction (PMID: 32480058). ClinVar contains an entry for this variant (Variation ID: 3227497). An algorithm developed to predict the effect of missense changes on protein structure and function (PolyPhen-2) suggests that this variant is likely to be disruptive. In summary, the available evidence is currently insufficient to determine the role of this variant in disease. Therefore, it has been classified as a Variant of Uncertain Significance.

Literature cited by the submitters: PubMed 32480058 (cited by Labcorp Genetics (formerly Invitae), Labcorp).

NM_020778.5(ALPK3):c.224C>A (p.Thr75Asn)

Gene: ALPK3 (alpha kinase 3; plus strand). Cytogenetic location: 15q25.3.
Variant type: single nucleotide variant.
Coding change: c.224C>A on transcript NM_020778.5 (MANE Select); coding-DNA position 224, C replaced by A.
Protein change: p.Thr75Asn; replaces threonine 75 with asparagine.
Molecular consequence: missense variant.
Genome position (GRCh38, 1-based): chr15:84,827,525, C>A. VCF-style: chr15-84827525-C-A. GRCh37 (hg19) VCF-style: chr15-85370756-C-A.
Other names: short protein forms T75N.
Identifiers: ClinVar variation 3227497 (VCV003227497.4), dbSNP rs563124052, ClinGen allele CA273657907.